The following is an entry in ClinVar:

ClinVar aggregate classification (germline): Uncertain significance (1 of 4 stars; one submission).

Conditions:
Developmental and epileptic encephalopathy, 87. Also called: EPILEPTIC ENCEPHALOPATHY, EARLY INFANTILE, 87. Identifiers: MedGen C5394501, MONDO:0030059, OMIM 618916.

Submission:

Dasa
Classification: Uncertain significance for Developmental and epileptic encephalopathy, 87. Last evaluated: 2024-11-04. Review status: criteria provided, single submitter. Criteria: DASA Assertion Criteria. Collection method: clinical testing. Allele origin: germline.
Comment: NM_015076.5(CDK19):c.438G>T (p.Trp146Cys) is a missense variant that results in the substitution of tryptophan with cysteine. This variant is rare in population databases. The currently available literature and clinical evidence are not sufficient to establish a definitive association between this variant and the reported condition. Therefore, this variant is classified as a variant of uncertain significance.

NM_015076.5(CDK19):c.438G>T (p.Trp146Cys)

Gene: CDK19 (cyclin dependent kinase 19; minus strand). Cytogenetic location: 6q21.
Variant type: single nucleotide variant.
Coding change: c.438G>T on transcript NM_015076.5 (MANE Select); coding-DNA position 438, G replaced by T.
Protein change: p.Trp146Cys; replaces tryptophan 146 with cysteine.
Molecular consequence: missense variant.
Genome position (GRCh38, 1-based): chr6:110,667,452, C>A on the plus strand (G>T on the coding strand, the complement: CDK19 is on the minus strand). VCF-style: chr6-110667452-C-A. GRCh37 (hg19) VCF-style: chr6-110988655-C-A.
Other names: c.438G>T, p.Trp146Cys (NM_001300960.2); c.258G>T, p.Trp86Cys (NM_001300963.2, NM_001300964.2); short protein forms W146C, W86C.
Identifiers: ClinVar variation 4881183 (VCV004881183.2).
Genomic context (GRCh38, chr6:110,667,452, plus strand): 5'-TAGGGAAAAACATATTGATGAATTTAAAAGAAAAATACTTACCAAGTCTCTGTGAAGCAC[C>A]CAATTTGCATGGAGGTAATGGATACCATCAAGAATCTGGTAAAGTAAGGATTTAACCATA-3'
Protein context (NP_055891.1, residues 136-156): LDGIHYLHAN[Trp146Cys]VLHRDLKPAN